The following is an entry in ClinVar:

NM_004448.4(ERBB2):c.3110C>T (p.Pro1037Leu)

Gene: ERBB2 (erb-b2 receptor tyrosine kinase 2; plus strand). Cytogenetic location: 17q12.
Variant type: single nucleotide variant.
Coding change: c.3110C>T on transcript NM_004448.4 (MANE Select); coding-DNA position 3110, C replaced by T.
Protein change: p.Pro1037Leu; replaces proline 1037 with leucine.
Molecular consequence: missense variant. On other transcripts: non-coding transcript variant (1), intron variant (2).
Genome position (GRCh38, 1-based): chr17:39,726,954, C>T. VCF-style: chr17-39726954-C-T. GRCh37 (hg19) VCF-style: chr17-37883207-C-T.
Other names: c.3020C>T, p.Pro1007Leu (NM_001005862.3, NM_001382782.1, NM_001382783.1); c.3065C>T, p.Pro1022Leu (NM_001289936.2); c.3110C>T, p.Pro1037Leu (NM_001289937.2); c.3227C>T, p.Pro1076Leu (NM_001382784.1); c.3212C>T, p.Pro1071Leu (NM_001382785.1); c.3191C>T, p.Pro1064Leu (NM_001382786.1); c.3185C>T, p.Pro1062Leu (NM_001382787.1); c.3140C>T, p.Pro1047Leu (NM_001382788.1); and 16 more; short protein forms P1021L, P1036L, P1044L, P1007L, P1022L, P1037L, P1047L, P1071L.
Identifiers: ClinVar variation 2074936 (VCV002074936.5), dbSNP rs201905649, ClinGen allele CA8534463.
Genomic context (GRCh38, chr17:39,726,954, plus strand): 5'-TGGTGGATGCTGAGGAGTATCTGGTACCCCAGCAGGGCTTCTTCTGTCCAGACCCTGCCC[C>T]GGGCGCTGGGGGCATGGTCCACCACAGGCACCGCAGCTCATCTACCAGGGTCAGTGCCCT-3'
Protein context (NP_004439.2, residues 1027-1047): QQGFFCPDPA[Pro1037Leu]GAGGMVHHRH

ClinVar aggregate classification (germline): Uncertain significance. Review status: criteria provided, multiple submitters, no conflicts (2 of 4 stars). 2 submissions from 2 submitters: Uncertain significance (2). Last evaluated 2024-02-23.

Conditions:
Ovarian cancer. Also called: OVARIAN CANCER, SOMATIC. Identifiers: Orphanet 213500, MedGen C1140680, MONDO:0008170, OMIM 167000.
Visceral neuropathy, familial, 2, autosomal recessive. Identifiers: MedGen C5561950, MONDO:0030399, OMIM 619465.
Lung cancer. Also called: Malignant tumor of lung; Lung cancer, somatic. Identifiers: MedGen C0242379, MONDO:0008903, OMIM 211980.
Glioma susceptibility 1 (GLM1). Also called: Glioblastoma, somatic. Identifiers: MedGen C2750850, MONDO:0024498, OMIM 137800.
Gastric cancer. Also called: Malignant tumor of stomach; Stomach cancer. Identifiers: MedGen C0024623, MeSH D013274, MONDO:0001056, OMIM 613659, HP:0012126.

Allele frequency attached by ClinVar (database versions not stated): gnomAD exomes 0.00002; ExAC 0.00006; 1000 Genomes Project 30x 0.00016; 1000 Genomes Project 0.00020; gnomAD 0.00020; TOPMed 0.00039.
gnomAD v4.1: 74 of 1,612,154 alleles (0.0046%); highest among the groups gnomAD compares: Admixed American, 0.053%; 1 homozygote.

Submissions (2):

Labcorp Genetics (formerly Invitae), Labcorp
Classification: Uncertain significance. Last evaluated: 2024-02-23. Review status: criteria provided, single submitter. Criteria: Invitae Variant Classification Sherloc (09022015). Collection method: clinical testing. Allele origin: germline.
Comment: This sequence change replaces proline, which is neutral and non-polar, with leucine, which is neutral and non-polar, at codon 1037 of the ERBB2 protein (p.Pro1037Leu). This variant is present in population databases (rs201905649, gnomAD 0.03%). This variant has not been reported in the literature in individuals affected with ERBB2-related conditions. ClinVar contains an entry for this variant (Variation ID: 2074936). Algorithms developed to predict the effect of missense changes on protein structure and function output the following: SIFT: "Not Available"; PolyPhen-2: "Benign"; Align-GVGD: "Not Available". The leucine amino acid residue is found in multiple mammalian species, which suggests that this missense change does not adversely affect protein function. In summary, the available evidence is currently insufficient to determine the role of this variant in disease. Therefore, it has been classified as a Variant of Uncertain Significance.

Fulgent Genetics
Classification: Uncertain significance for Glioma susceptibility 1; Ovarian cancer; Lung cancer; Gastric cancer; Visceral neuropathy, familial, 2, autosomal recessive. Last evaluated: 2024-01-08. Review status: criteria provided, single submitter. Criteria: ACMG Guidelines, 2015. Collection method: clinical testing. Allele origin: germline.